The following is an entry in ClinVar:

NM_177438.3(DICER1):c.3508G>T (p.Ala1170Ser)

Gene: DICER1 (dicer 1, ribonuclease III; minus strand). Cytogenetic location: 14q32.13.
Variant type: single nucleotide variant.
Coding change: c.3508G>T on transcript NM_177438.3 (MANE Select); coding-DNA position 3508, G replaced by T.
Protein change: p.Ala1170Ser; replaces alanine 1170 with serine.
Molecular consequence: missense variant. On other transcripts: non-coding transcript variant (6).
Genome position (GRCh38, 1-based): chr14:95,103,888, C>A on the plus strand (G>T on the coding strand, the complement: DICER1 is on the minus strand). VCF-style: chr14-95103888-C-A. GRCh37 (hg19) VCF-style: chr14-95570225-C-A.
Other names: c.3508G>T, p.Ala1170Ser (NM_001195573.1, NM_001271282.3, NM_001291628.2 and 12 more transcripts); c.3226G>T, p.Ala1076Ser (NM_001395686.1); c.3103G>T, p.Ala1035Ser (NM_001395687.1, NM_001395688.1, NM_001395689.1 and 2 more transcripts); c.2941G>T, p.Ala981Ser (NM_001395691.1); c.1825G>T, p.Ala609Ser (NM_001395697.1); short protein forms A1076S, A1035S, A1170S, A609S, A981S.
Identifiers: ClinVar variation 4843064 (VCV004843064.1).

ClinVar aggregate classification (germline): Uncertain significance (1 of 4 stars; one submission).

Conditions:
Hereditary cancer-predisposing syndrome. Also called: Neoplastic Syndromes, Hereditary; Tumor predisposition; Hereditary Cancer Syndrome; Hereditary neoplastic syndrome. Identifiers: Orphanet 140162, MedGen C0027672, MeSH D009386, MONDO:0015356.

Submission:

Ambry Genetics
Classification: Uncertain significance for Hereditary cancer-predisposing syndrome. Last evaluated: 2025-12-19. Review status: criteria provided, single submitter. Criteria: Ambry Variant Classification Scheme 2023. Collection method: clinical testing. Allele origin: germline.
Comment: The p.A1170S variant (also known as c.3508G>T), located in coding exon 20 of the DICER1 gene, results from a G to T substitution at nucleotide position 3508. The alanine at codon 1170 is replaced by serine, an amino acid with similar properties. This amino acid position is poorly conserved in available vertebrate species. In addition, this alteration is predicted to be tolerated by in silico analysis. Based on the available evidence, the clinical significance of this variant remains unclear.